The following is an entry in ClinVar:

ClinVar aggregate classification (germline): Uncertain significance. Review status: criteria provided, multiple submitters, no conflicts (2 of 4 stars). 4 submissions from 4 submitters: Uncertain significance (4). Last evaluated 2025-08-26.

Conditions:
Inborn genetic diseases. Identifiers: MedGen C0950123, MeSH D030342.
Greenberg dysplasia (GRBGD). Also called: HEM SKELETAL DYSPLASIA; MOTH-EATEN SKELETAL DYSPLASIA; CHONDRODYSTROPHY, HYDROPIC AND PRENATALLY LETHAL TYPE. Identifiers: Orphanet 1426, MedGen C2931048, MONDO:0008974, OMIM 215140.

Allele frequency attached by ClinVar (database versions not stated): ESP Exome Variant Server 0.00008; gnomAD 0.00009 and 0.00010; ExAC 0.00010; TOPMed 0.00011; gnomAD exomes 0.00012.
gnomAD v4.1: 322 of 1,613,764 alleles (0.02%); highest among the groups gnomAD compares: Non-Finnish European, 0.027%; no homozygotes.

Submissions (4):

Ambry Genetics
Classification: Uncertain significance for Inborn genetic diseases. Last evaluated: 2025-08-26. Review status: criteria provided, single submitter. Criteria: Ambry Variant Classification Scheme 2023. Collection method: clinical testing. Allele origin: germline.

Labcorp Genetics (formerly Invitae), Labcorp
Classification: Uncertain significance. Last evaluated: 2024-08-13. Review status: criteria provided, single submitter. Criteria: Invitae Variant Classification Sherloc (09022015). Collection method: clinical testing. Allele origin: germline.
Comment: This sequence change replaces serine, which is neutral and polar, with phenylalanine, which is neutral and non-polar, at codon 69 of the LBR protein (p.Ser69Phe). This variant is present in population databases (rs369299493, gnomAD 0.03%). This variant has not been reported in the literature in individuals affected with LBR-related conditions. ClinVar contains an entry for this variant (Variation ID: 295947). Invitae Evidence Modeling of protein sequence and biophysical properties (such as structural, functional, and spatial information, amino acid conservation, physicochemical variation, residue mobility, and thermodynamic stability) indicates that this missense variant is expected to disrupt LBR protein function with a positive predictive value of 95%. Algorithms developed to predict the effect of sequence changes on RNA splicing suggest that this variant may create or strengthen a splice site. In summary, the available evidence is currently insufficient to determine the role of this variant in disease. Therefore, it has been classified as a Variant of Uncertain Significance.

CeGaT Center for Human Genetics Tuebingen
Classification: Uncertain significance. Last evaluated: 2023-01-01. Review status: criteria provided, single submitter. Criteria: CeGaT Center For Human Genetics Tuebingen Variant Classification Criteria Version 2. Collection method: clinical testing. Allele origin: germline. Affected: yes. Observed: 1 variant allele.

Illumina Laboratory Services, Illumina
Classification: Uncertain significance for Greenberg dysplasia. Last evaluated: 2018-01-13. Review status: criteria provided, single submitter. Criteria: ICSL Variant Classification Criteria 13 December 2019. Collection method: clinical testing. Allele origin: germline.

NM_002296.4(LBR):c.206C>T (p.Ser69Phe)

Gene: LBR (lamin B receptor; minus strand). Cytogenetic location: 1q42.12.
Variant type: single nucleotide variant.
Coding change: c.206C>T on transcript NM_002296.4 (MANE Select); coding-DNA position 206, C replaced by T.
Protein change: p.Ser69Phe; replaces serine 69 with phenylalanine.
Molecular consequence: missense variant.
Genome position (GRCh38, 1-based): chr1:225,422,237, G>A on the plus strand (C>T on the coding strand, the complement: LBR is on the minus strand). VCF-style: chr1-225422237-G-A. GRCh37 (hg19) VCF-style: chr1-225609939-G-A.
Other names: c.206C>T, p.Ser69Phe (NM_194442.3); short protein forms S69F.
Identifiers: ClinVar variation 295947 (VCV000295947.38), dbSNP rs369299493, ClinGen allele CA1417537.